The following is an entry in ClinVar:

ClinVar aggregate classification (germline): Conflicting classifications of pathogenicity. Review status: criteria provided, conflicting classifications (1 of 4 stars). 7 submissions from 7 submitters: Uncertain significance (6); Likely benign (1). Last evaluated 2026-09-21.

Conditions:
Autosomal recessive limb-girdle muscular dystrophy type 2J (LGMDR10). Also called: Limb-girdle muscular dystrophy, type 2J; MUSCULAR DYSTROPHY, LIMB-GIRDLE, AUTOSOMAL RECESSIVE 10. Identifiers: Orphanet 140922, MedGen C1837342, MONDO:0012127, OMIM 608807.
Dilated cardiomyopathy 1G (CMD1G). Identifiers: Orphanet 154, MedGen C1858763, MONDO:0011400, OMIM 604145.
TTN-related disorder. Also called: TTN-related condition; TTN-related disease; TTN-related disorders.

Allele frequency attached by ClinVar (database versions not stated): gnomAD exomes 0.00007 and 0.00010; TOPMed 0.00009; gnomAD 0.00010 and 0.00011; ExAC 0.00013; 1000 Genomes Project 0.00020; 1000 Genomes Project 30x 0.00031.
gnomAD v4.1: 124 of 1,613,270 alleles (0.0077%); highest among the groups gnomAD compares: Middle Eastern, 0.082%; no homozygotes.

Submissions (7):

Molecular Diagnostic Laboratory for Inherited Cardiovascular Disease, Montreal Heart Institute
Classification: Likely benign. Last evaluated: 2026-09-21. Review status: criteria provided, single submitter. Criteria: ACMG Guidelines, 2015. Collection method: clinical testing. Allele origin: germline. Affected: no.
Comment: BP1

PreventionGenetics, part of Exact Sciences
Classification: Uncertain significance for TTN-related condition. Last evaluated: 2026-02-24. Review status: criteria provided, single submitter. Criteria: ACMG Guidelines, 2015. Collection method: clinical testing. Allele origin: germline.
Comment: The TTN c.81869G>C variant is predicted to result in the amino acid substitution p.Gly27290Ala. To our knowledge, this variant has not been reported in the literature. This variant is reported in 0.023% of alleles in individuals of South Asian descent in gnomAD. At this time, the clinical significance of this variant is uncertain due to the absence of conclusive functional and genetic evidence.

Women's Health and Genetics/Laboratory Corporation of America, LabCorp
Classification: Uncertain significance. Last evaluated: 2024-03-21. Review status: criteria provided, single submitter. Criteria: LabCorp Variant Classification Summary - May 2015. Collection method: clinical testing. Allele origin: germline.
Comment: Variant summary: TTN c.74165G>C (p.Gly24722Ala) results in a non-conservative amino acid change located in the A-band region of the encoded protein sequence. Five of five in-silico tools predict a damaging effect of the variant on protein function. The variant allele was found at a frequency of 9.7e-05 in 248002 control chromosomes. This frequency is not significantly higher than estimated for a pathogenic variant in TTN causing Dilated Cardiomyopathy (9.7e-05 vs 0.00039), allowing no conclusion about variant significance. To our knowledge, no occurrence of c.74165G>C in individuals affected with Dilated Cardiomyopathy and no experimental evidence demonstrating its impact on protein function have been reported. ClinVar contains an entry for this variant (Variation ID: 404659). Based on the evidence outlined above, the variant was classified as uncertain significance.

CeGaT Center for Human Genetics Tuebingen
Classification: Uncertain significance. Last evaluated: 2024-01-01. Review status: criteria provided, single submitter. Criteria: CeGaT Center For Human Genetics Tuebingen Variant Classification Criteria Version 2. Collection method: clinical testing. Allele origin: germline. Affected: yes. Observed: 2 variant alleles.
Comment: TTN: PM2

Revvity Omics, Revvity
Classification: Uncertain significance. Last evaluated: 2022-09-27. Review status: criteria provided, single submitter. Criteria: ACMG Guidelines, 2015. Collection method: clinical testing. Allele origin: germline.

Eurofins Ntd Llc (ga)
Classification: Uncertain significance. Last evaluated: 2017-12-07. Review status: criteria provided, single submitter. Criteria: EGL Classification Definitions 2015. Collection method: clinical testing. Allele origin: germline. Observed: 2 variant alleles, 2 heterozygotes.

Labcorp Genetics (formerly Invitae), Labcorp
Classification: Uncertain significance for Dilated cardiomyopathy 1G; Autosomal recessive limb-girdle muscular dystrophy type 2J. Last evaluated: 2016-05-22. Review status: criteria provided, single submitter. Criteria: Invitae Variant Classification Sherloc (09022015). Collection method: clinical testing. Allele origin: germline.

NM_001267550.2(TTN):c.81869G>C (p.Gly27290Ala)

Genes: TTN (titin; minus strand), TTN-AS1 (TTN antisense RNA 1; plus strand). Cytogenetic location: 2q31.2.
Variant type: single nucleotide variant.
Coding change: c.81869G>C on transcript NM_001267550.2 (MANE Select); coding-DNA position 81869, G replaced by C.
Protein change: p.Gly27290Ala; replaces glycine 27290 with alanine.
Molecular consequence: missense variant.
Genome position (GRCh38, 1-based): chr2:178,564,263, C>G on the plus strand (G>C on the coding strand, the complement: TTN is on the minus strand). VCF-style: chr2-178564263-C-G. GRCh37 (hg19) VCF-style: chr2-179428990-C-G.
Other names: c.76946G>C, p.Gly25649Ala (NM_001256850.1); c.54674G>C, p.Gly18225Ala (NM_003319.4); c.74165G>C, p.Gly24722Ala (NM_133378.4); c.55049G>C, p.Gly18350Ala (NM_133432.3); c.55250G>C, p.Gly18417Ala (NM_133437.4); short protein forms G27290A, G24722A, G18225A, G18350A, G25649A, G18417A.
Identifiers: ClinVar variation 404659 (VCV000404659.52), dbSNP rs200240728, ClinGen allele CA1989142.